The following is an entry in ClinVar:

ClinVar aggregate classification (germline): Pathogenic (1 of 4 stars; one submission).

Conditions:
Familial cancer of breast. Also called: BREAST CANCER, FAMILIAL; Hereditary breast cancer; hereditary breast carcinoma. Identifiers: Orphanet 227535, MedGen C0346153, MONDO:0016419, OMIM 114480. Disease mechanism: loss of function.

Submission:

Labcorp Genetics (formerly Invitae), Labcorp
Classification: Pathogenic for Familial cancer of breast. Last evaluated: 2024-12-12. Review status: criteria provided, single submitter. Criteria: Invitae Variant Classification Sherloc (09022015). Collection method: clinical testing. Allele origin: germline.
Comment: This sequence change creates a premature translational stop signal (p.Leu375Glyfs*19) in the CHEK2 gene. It is expected to result in an absent or disrupted protein product. Loss-of-function variants in CHEK2 are known to be pathogenic (PMID: 21876083, 24713400). This variant is not present in population databases (gnomAD no frequency). This variant has not been reported in the literature in individuals affected with CHEK2-related conditions. ClinVar contains an entry for this variant (Variation ID: 1386918). For these reasons, this variant has been classified as Pathogenic.

Literature cited by the submitters: PubMed 21876083; PubMed 24713400.

NM_007194.4(CHEK2):c.1123_1124del (p.Leu375fs)

Gene: CHEK2 (checkpoint kinase 2; minus strand). Cytogenetic location: 22q12.1.
Variant type: Deletion.
Coding change: c.1123_1124del on transcript NM_007194.4 (MANE Select); coding-DNA positions 1123 to 1124, 2 bases deleted (TT; older notation c.1123_1124delTT).
Protein change: p.Leu375fs; shifts the reading frame from leucine 375.
Molecular consequence: frameshift variant.
Genome position (GRCh38, 1-based): chr22:28,695,845-28,695,846, AA deleted on the plus strand (TT on the coding strand, the reverse complement: CHEK2 is on the minus strand); deleting any 2 consecutive bases within chr22:28,695,845-28,695,848 gives the same sequence; the c. name uses the placement nearest the transcript's 3' end. VCF-style (leftmost placement, unchanged base first): chr22-28695844-CAA-C. GRCh37 (hg19) VCF-style: chr22-29091832-CAA-C.
Other names: c.1250_1251delTT, p.Leu418Glyfs (NM_001005735.3); c.458_459delTT, p.Leu154Glyfs (NM_001257387.3); c.920_921delTT, p.Leu308Glyfs (NM_001349956.3); c.1034_1035delTT, p.Leu346Glyfs (NM_145862.3); short protein forms L375fs, L308fs, L346fs, L154fs, L418fs.
Identifiers: ClinVar variation 1386918 (VCV001386918.7), dbSNP rs2145806264, ClinGen allele CA2573157982.